The following is an entry in ClinVar:

ClinVar aggregate classification (germline): Uncertain significance (1 of 4 stars; one submission).

Conditions:
Severe combined immunodeficiency due to CORO1A deficiency. Also called: IMMUNODEFICIENCY 8 WITH LYMPHOPROLIFERATION; Immunodeficiency 8. Identifiers: Orphanet 228003, MedGen C3809383, MONDO:0014168, OMIM 615401.

Submission:

Labcorp Genetics (formerly Invitae), Labcorp
Classification: Uncertain significance for Severe combined immunodeficiency due to CORO1A deficiency. Last evaluated: 2022-05-04. Review status: criteria provided, single submitter. Criteria: Invitae Variant Classification Sherloc (09022015). Collection method: clinical testing. Allele origin: germline.
Comment: In summary, the available evidence is currently insufficient to determine the role of this variant in disease. Therefore, it has been classified as a Variant of Uncertain Significance. Algorithms developed to predict the effect of sequence changes on RNA splicing suggest that this variant may disrupt the consensus splice site. This variant has not been reported in the literature in individuals affected with CORO1A-related conditions. This variant is not present in population databases (gnomAD no frequency). This sequence change falls in intron 2 of the CORO1A gene. It does not directly change the encoded amino acid sequence of the CORO1A protein.

NM_007074.4(CORO1A):c.195_198+13dup

Gene: CORO1A (coronin 1A; plus strand). Cytogenetic location: 16p11.2.
Variant type: Duplication.
Coding change: c.195_198+13dup on transcript NM_007074.4 (MANE Select); coding-DNA position 195 through 13 bases into the intron after coding-DNA position 198, 17 bases duplicated (CAAGGTGAGCCCCTGGG).
Molecular consequence: splice donor variant.
Genome position (GRCh38, 1-based): chr16:30,185,404-30,185,420, CAAGGTGAGCCCCTGGG duplicated; duplicating any 17 consecutive bases within chr16:30,185,395-30,185,420 gives the same sequence; the c. name uses the placement nearest the transcript's 3' end. VCF-style (leftmost placement, unchanged base first): chr16-30185394-T-TGCCCCTGGGCAAGGTGA. GRCh37 (hg19) VCF-style: chr16-30196715-T-TGCCCCTGGGCAAGGTGA.
Other names: c.195_198+13dup (NM_001193333.3).
Identifiers: ClinVar variation 1982899 (VCV001982899.4), dbSNP rs2543751932, ClinGen allele CA2580091456.